The following is an entry in ClinVar:

NM_001378609.3(OTOGL):c.1126A>G (p.Ile376Val)

Gene: OTOGL (otogelin like; plus strand). Cytogenetic location: 12q21.31.
Variant type: single nucleotide variant.
Coding change: c.1126A>G on transcript NM_001378609.3 (MANE Select); coding-DNA position 1126, A replaced by G.
Protein change: p.Ile376Val; replaces isoleucine 376 with valine.
Molecular consequence: missense variant.
Genome position (GRCh38, 1-based): chr12:80,251,766, A>G. VCF-style: chr12-80251766-A-G. GRCh37 (hg19) VCF-style: chr12-80645546-A-G.
Other names: c.1126A>G, p.Ile376Val (NM_001368062.3, NM_001378610.3, NM_173591.7); short protein forms I367V, I376V.
Identifiers: ClinVar variation 226926 (VCV000226926.15), dbSNP rs76297160, ClinGen allele CA6700374.

ClinVar aggregate classification (germline): Benign. Review status: criteria provided, multiple submitters, no conflicts (2 of 4 stars). 3 submissions from 3 submitters: Benign (3). Last evaluated 2025-12-10.

Allele frequency attached by ClinVar (database versions not stated): gnomAD exomes 0.00104 and 0.00272; ExAC 0.00667; gnomAD 0.01055 and 0.01135; ESP Exome Variant Server 0.01130; 1000 Genomes Project 0.01178; TOPMed 0.01191; 1000 Genomes Project 30x 0.01296.
gnomAD v4.1: 3,151 of 1,588,680 alleles (0.2%); highest among the groups gnomAD compares: African/African-American, 3.7%; 62 homozygotes.

Submissions (3):

Labcorp Genetics (formerly Invitae), Labcorp
Classification: Benign. Last evaluated: 2025-12-10. Review status: criteria provided, single submitter. Criteria: Invitae Variant Classification Sherloc (09022015). Collection method: clinical testing. Allele origin: germline.

GeneDx
Classification: Benign. Last evaluated: 2018-02-12. Review status: criteria provided, single submitter. Criteria: GeneDx Variant Classification (06012015). Collection method: clinical testing. Allele origin: germline. Affected: yes.
Comment: This variant is considered likely benign or benign based on one or more of the following criteria: it is a conservative change, it occurs at a poorly conserved position in the protein, it is predicted to be benign by multiple in silico algorithms, and/or has population frequency not consistent with disease.

Laboratory for Molecular Medicine, Mass General Brigham Personalized Medicine
Classification: Benign. Last evaluated: 2014-11-24. Review status: criteria provided, single submitter. Criteria: LMM Criteria. Collection method: clinical testing. Allele origin: germline. Observed: 10 variant alleles.
Comment: Ile367Val in exon 11 of OTOGL: This variant is not expected to have clinical sig nificance because it has been identified in 3.6% (135/3794) of African American chromosomes from a broad population by the NHLBI Exome Sequencing Project (dbSNP rs76297160).